The following is an entry in ClinVar:

ClinVar aggregate classification (germline): Uncertain significance (1 of 4 stars; one submission).

Conditions:
ALG1-congenital disorder of glycosylation. Also called: CONGENITAL DISORDER OF GLYCOSYLATION, TYPE Ik; CDG Ik; ALG1-CDG. Identifiers: Orphanet 79327, MedGen C2931005, MONDO:0012052, OMIM 608540.

Allele frequency attached by ClinVar (database versions not stated): TOPMed 0.00001.

Submission:

Labcorp Genetics (formerly Invitae), Labcorp
Classification: Uncertain significance for ALG1-congenital disorder of glycosylation. Last evaluated: 2024-03-04. Review status: criteria provided, single submitter. Criteria: Invitae Variant Classification Sherloc (09022015). Collection method: clinical testing. Allele origin: germline.
Comment: This sequence change replaces cysteine, which is neutral and slightly polar, with serine, which is neutral and polar, at codon 146 of the ALG1 protein (p.Cys146Ser). This variant is not present in population databases (gnomAD no frequency). This variant has not been reported in the literature in individuals affected with ALG1-related conditions. ClinVar contains an entry for this variant (Variation ID: 1505103). Advanced modeling of protein sequence and biophysical properties (such as structural, functional, and spatial information, amino acid conservation, physicochemical variation, residue mobility, and thermodynamic stability) performed at Invitae indicates that this missense variant is not expected to disrupt ALG1 protein function with a negative predictive value of 80%. In summary, the available evidence is currently insufficient to determine the role of this variant in disease. Therefore, it has been classified as a Variant of Uncertain Significance.

NM_019109.5(ALG1):c.437G>C (p.Cys146Ser)

Gene: ALG1 (ALG1 chitobiosyldiphosphodolichol beta-mannosyltransferase; plus strand). Cytogenetic location: 16p13.3.
Variant type: single nucleotide variant.
Coding change: c.437G>C on transcript NM_019109.5 (MANE Select); coding-DNA position 437, G replaced by C.
Protein change: p.Cys146Ser; replaces cysteine 146 with serine.
Molecular consequence: missense variant.
Genome position (GRCh38, 1-based): chr16:5,075,434, G>C. VCF-style: chr16-5075434-G-C. GRCh37 (hg19) VCF-style: chr16-5125435-G-C.
Other names: c.104G>C, p.Cys35Ser (NM_001330504.2); short protein forms C146S, C35S.
Identifiers: ClinVar variation 1505103 (VCV001505103.5), dbSNP rs1956892771, ClinGen allele CA394680355.